The following is an entry in ClinVar:

ClinVar aggregate classification (germline): Likely pathogenic (1 of 4 stars; one submission).

Conditions:
Maple syrup urine disease (MSUD). Identifiers: Orphanet 511, MedGen C0024776, MeSH D008375, MONDO:0009563. Disease mechanism: loss of function.

Submission:

Women's Health and Genetics/Laboratory Corporation of America, LabCorp
Classification: Likely pathogenic for Maple syrup urine disease. Last evaluated: 2022-06-02. Review status: criteria provided, single submitter. Criteria: LabCorp Variant Classification Summary - May 2015. Collection method: clinical testing. Allele origin: germline.
Comment: Variant summary: The variant identified by MLPA or other technology involves the duplication of exons 7-9 in the BCKDHB gene. A presumed nomenclature of c.(742+1_743-1)_(1038+1_1039-1)dup has been designated for the purposes of this classification. It has been assumed that this is a tandem duplication in direct orientation (Richardson_GIM_2018, Newman_AJHG_2015). Although exact breakpoints of this duplication are not known, it is expected to result in a frameshift in the BCKDHB gene. The variant was absent in 21694 control chromosomes (gnomAD structural variants dataset). The available data on variant occurrences in the general population are insufficient to allow any conclusion about variant significance. To our knowledge, no occurrence of c.(742+1_743-1)_(1038+1_1039-1)dup in individuals affected with Maple Syrup Urine Disease and no experimental evidence demonstrating its impact on protein function have been reported. One clinical diagnostic laboratory has submitted clinical-significance assessments for this variant to ClinVar after 2014, and classified the variant as likely pathogenic. Based on the evidence outlined above, the variant was classified as likely pathogenic.

NC_000006.11:g.(80881108_80910650)_(80982939_81053380)dup

Gene: BCKDHB (branched chain keto acid dehydrogenase E1 subunit beta; plus strand). Cytogenetic location: 6q14.1.
Variant type: Duplication.
Identifiers: ClinVar variation 1698680 (VCV001698680.1).